The following is an entry in ClinVar:

NM_004260.4(RECQL4):c.1763G>T (p.Gly588Val)

Gene: RECQL4 (RecQ like helicase 4; minus strand). Cytogenetic location: 8q24.3.
Variant type: single nucleotide variant.
Coding change: c.1763G>T on transcript NM_004260.4 (MANE Select); coding-DNA position 1763, G replaced by T.
Protein change: p.Gly588Val; replaces glycine 588 with valine.
Molecular consequence: missense variant.
Genome position (GRCh38, 1-based): chr8:144,514,304, C>A on the plus strand (G>T on the coding strand, the complement: RECQL4 is on the minus strand). VCF-style: chr8-144514304-C-A. GRCh37 (hg19) VCF-style: chr8-145739688-C-A.
Other names: short protein forms G588V.
Identifiers: ClinVar variation 459341 (VCV000459341.12), dbSNP rs1259051495, ClinGen allele CA372681034.
Genomic context (GRCh38, chr8:144,514,304, plus strand): 5'-TGGGCCTCATCAATGCAGGCAAAAGCAACTGGAGGCAGCTGTGCGGCTGGAGGGAGGCCT[C>A]CCGCCCCCACCAGTGCCTCAGGTGTCAGCATCAGCACGTGTACCTGGGCTGCCCGAATCT-3'
Protein context (NP_004251.4, residues 578-598): MLTPEALVGA[Gly588Val]GLPPAAQLPP

ClinVar aggregate classification (germline): Uncertain significance. Review status: criteria provided, multiple submitters, no conflicts (2 of 4 stars). 3 submissions from 3 submitters: Uncertain significance (3). Last evaluated 2025-09-16.

Conditions:
Inborn genetic diseases. Identifiers: MedGen C0950123, MeSH D030342.
Baller-Gerold syndrome (BGS). Also called: CRANIOSYNOSTOSIS WITH RADIAL DEFECTS. Identifiers: Orphanet 1225, MedGen C0265308, MONDO:0009039, OMIM 218600.

Allele frequency attached by ClinVar (database versions not stated): gnomAD exomes 0.00001; TOPMed 0.00001.
gnomAD v4.1: 6 of 1,609,952 alleles (0.00037%); highest among the groups gnomAD compares: African/African-American, 0.0027%; no homozygotes.

Submissions (3):

Labcorp Genetics (formerly Invitae), Labcorp
Classification: Uncertain significance for Baller-Gerold syndrome. Last evaluated: 2025-09-16. Review status: criteria provided, single submitter. Criteria: Invitae Variant Classification Sherloc (09022015). Collection method: clinical testing. Allele origin: germline.
Comment: This sequence change replaces glycine, which is neutral and non-polar, with valine, which is neutral and non-polar, at codon 588 of the RECQL4 protein (p.Gly588Val). This variant is present in population databases (no rsID available, gnomAD 0.004%). This variant has not been reported in the literature in individuals affected with RECQL4-related conditions. ClinVar contains an entry for this variant (Variation ID: 459341). Invitae Evidence Modeling of protein sequence and biophysical properties (such as structural, functional, and spatial information, amino acid conservation, physicochemical variation, residue mobility, and thermodynamic stability) has been performed for this missense variant. However, the output from this modeling did not meet the statistical confidence thresholds required to predict the impact of this variant on RECQL4 protein function. In summary, the available evidence is currently insufficient to determine the role of this variant in disease. Therefore, it has been classified as a Variant of Uncertain Significance.

Ambry Genetics
Classification: Uncertain significance for Inborn genetic diseases. Last evaluated: 2024-12-31. Review status: criteria provided, single submitter. Criteria: Ambry Variant Classification Scheme 2023. Collection method: clinical testing. Allele origin: germline.
Comment: The p.G588V variant (also known as c.1763G>T), located in coding exon 11 of the RECQL4 gene, results from a G to T substitution at nucleotide position 1763. The glycine at codon 588 is replaced by valine, an amino acid with dissimilar properties. This amino acid position is conserved. In addition, the in silico prediction for this alteration is inconclusive. Based on the available evidence, the clinical significance of this variant remains unclear.

Revvity Omics, Revvity
Classification: Uncertain significance. Last evaluated: 2019-05-31. Review status: criteria provided, single submitter. Criteria: ACMG Guidelines, 2015. Collection method: clinical testing. Allele origin: germline.